The following is an entry in ClinVar:

ClinVar aggregate classification (germline): Likely benign. Review status: criteria provided, multiple submitters, no conflicts (2 of 4 stars). 3 submissions from 3 submitters: Likely benign (2). 1 of the submissions does not count toward it. Last evaluated 2021-09-16.

Conditions:
Familial hypocalciuric hypercalcemia (FHH). Also called: Familial benign hypercalcemia. Identifiers: Orphanet 405, MedGen C1809471, MONDO:0018458.
Autosomal dominant hypocalcemia 1 (HYPOC1). Also called: HYPOCALCEMIA, FAMILIAL. Identifiers: MedGen C3715128, MONDO:0011013, OMIM 601198.
CASR-related disorder. Also called: CASR-related condition.
Nephrolithiasis/nephrocalcinosis. Identifiers: MedGen CN580796.

Submissions (3):

Labcorp Genetics (formerly Invitae), Labcorp
Classification: Likely benign for Familial hypocalciuric hypercalcemia; Autosomal dominant hypocalcemia 1. Last evaluated: 2021-09-16. Review status: criteria provided, single submitter. Criteria: Invitae Variant Classification Sherloc (09022015). Collection method: clinical testing. Allele origin: germline.

Ambry Genetics
Classification: Likely benign for Nephrolithiasis/nephrocalcinosis. Last evaluated: 2019-05-27. Review status: criteria provided, single submitter. Criteria: Ambry Variant Classification Scheme 2023. Collection method: clinical testing. Allele origin: germline.

PreventionGenetics, part of Exact Sciences
Classification: Likely benign for CASR-related condition. Last evaluated: 2019-08-13. Review status: no assertion criteria provided. Collection method: clinical testing. Allele origin: germline. Not counted in ClinVar's aggregate classification.
Comment: This variant is classified as likely benign based on ACMG/AMP sequence variant interpretation guidelines (Richards et al. 2015 PMID: 25741868, with internal and published modifications).

NM_000388.4(CASR):c.1014T>C (p.His338=)

Gene: CASR (calcium sensing receptor; plus strand). Cytogenetic location: 3q21.1.
Variant type: single nucleotide variant.
Coding change: c.1014T>C on transcript NM_000388.4 (MANE Select); coding-DNA position 1014, T replaced by C.
Protein change: p.His338=; no amino-acid change (histidine 338 retained).
Molecular consequence: synonymous variant.
Genome position (GRCh38, 1-based): chr3:122,262,049, T>C. VCF-style: chr3-122262049-T-C. GRCh37 (hg19) VCF-style: chr3-121980896-T-C.
Other names: c.1014T>C, p.His338= (NM_001178065.2); c.1014T>C (NM_001178065.1).
Identifiers: ClinVar variation 463889 (VCV000463889.14), dbSNP rs1553766831, ClinGen allele CA435425009.